The following is an entry in ClinVar:

ClinVar aggregate classification (germline): Uncertain significance. Review status: criteria provided, multiple submitters, no conflicts (2 of 4 stars). 2 submissions from 2 submitters: Uncertain significance (2). Last evaluated 2026-09-01.

Conditions:
Hereditary pancreatitis (PCTT). Also called: Hereditary chronic pancreatitis; PRSS1-Related Hereditary Pancreatitis. Identifiers: Orphanet 676, MedGen C0238339, MONDO:0008185, OMIM 167800.

Allele frequency attached by ClinVar (database versions not stated): TOPMed below 0.00001.
gnomAD v4.1: 2 of 1,614,118 alleles (0.00012%); highest among the groups gnomAD compares: Non-Finnish European, 0.00017%; no homozygotes.

Submissions (2):

Ambry Genetics
Classification: Uncertain significance for Hereditary pancreatitis. Last evaluated: 2026-09-01. Review status: criteria provided, single submitter. Criteria: Ambry Variant Classification Scheme 2023. Collection method: clinical testing. Allele origin: germline.
Comment: The p.G136S variant (also known as c.406G>A), located in coding exon 3 of the PRSS1 gene, results from a G to A substitution at nucleotide position 406. The glycine at codon 136 is replaced by serine, an amino acid with similar properties. This amino acid position is conserved. In addition, this alteration is predicted to be deleterious by in silico analysis. Based on the available evidence, the clinical significance of this variant remains unclear.

Labcorp Genetics (formerly Invitae), Labcorp
Classification: Uncertain significance for Hereditary pancreatitis. Last evaluated: 2023-03-18. Review status: criteria provided, single submitter. Criteria: Invitae Variant Classification Sherloc (09022015). Collection method: clinical testing. Allele origin: germline.
Comment: In summary, the available evidence is currently insufficient to determine the role of this variant in disease. Therefore, it has been classified as a Variant of Uncertain Significance. Advanced modeling of protein sequence and biophysical properties (such as structural, functional, and spatial information, amino acid conservation, physicochemical variation, residue mobility, and thermodynamic stability) performed at Invitae indicates that this missense variant is not expected to disrupt PRSS1 protein function. This variant has not been reported in the literature in individuals affected with PRSS1-related conditions. This variant is not present in population databases (gnomAD no frequency). This sequence change replaces glycine, which is neutral and non-polar, with serine, which is neutral and polar, at codon 136 of the PRSS1 protein (p.Gly136Ser).

NM_002769.5(PRSS1):c.406G>A (p.Gly136Ser)

Genes: PRSS1 (serine protease 1; plus strand), TRB (T cell receptor beta locus; plus strand). Cytogenetic location: 7q34.
Variant type: single nucleotide variant.
Coding change: c.406G>A on transcript NM_002769.5 (MANE Select); coding-DNA position 406, G replaced by A.
Protein change: p.Gly136Ser; replaces glycine 136 with serine.
Molecular consequence: missense variant. On other transcripts: non-coding transcript variant (5).
Genome position (GRCh38, 1-based): chr7:142,751,979, G>A. VCF-style: chr7-142751979-G-A. GRCh37 (hg19) VCF-style: chr7-142459830-G-A.
Other names: c.406G>A (NM_002769.4); short protein forms G136S.
Identifiers: ClinVar variation 3015817 (VCV003015817.4), dbSNP rs1798778277, ClinGen allele CA369609086.